The following is an entry in ClinVar:

NM_022124.6(CDH23):c.4846-2_4850dup

Gene: CDH23 (cadherin related 23; plus strand). Cytogenetic location: 10q22.1.
Variant type: Duplication.
Coding change: c.4846-2_4850dup on transcript NM_022124.6 (MANE Select); the canonical splice acceptor site of the intron before coding-DNA position 4846 through coding-DNA position 4850, 7 bases duplicated (AGGCCAC; older notation c.4846-2_4850dupAGGCCAC).
Molecular consequence: splice acceptor variant.
Genome position (GRCh38, 1-based): chr10:71,777,678-71,777,684, AGGCCAC duplicated; duplicating any 7 consecutive bases within chr10:71,777,674-71,777,684 gives the same sequence; the c. name uses the placement nearest the transcript's 3' end. VCF-style (leftmost placement, unchanged base first): chr10-71777673-T-TCCACAGG. GRCh37 (hg19) VCF-style: chr10-73537430-T-TCCACAGG.
Identifiers: ClinVar variation 4724755 (VCV004724755.1).
Genomic context (GRCh38, chr10:71,777,673, plus strand): 5'-AGCCATCTGGATCCACCTTGGTCCCTCTGGCCACCTGACCAAGGACGTGACCCACTCTTT[T>TCCACAGG]CCACAGGCCACCACGCACGTGTACGTGACCATTGTGGATGAGAATGATAACGCGCCCATG-3'

ClinVar aggregate classification (germline): Uncertain significance (1 of 4 stars; one submission).

Submission:

Labcorp Genetics (formerly Invitae), Labcorp
Classification: Uncertain significance. Last evaluated: 2025-08-03. Review status: criteria provided, single submitter. Criteria: Invitae Variant Classification Sherloc (09022015). Collection method: clinical testing. Allele origin: germline.
Comment: This sequence change falls in intron 38 of the CDH23 gene. It does not directly change the encoded amino acid sequence of the CDH23 protein. This variant is not present in population databases (gnomAD no frequency). This variant has not been reported in the literature in individuals affected with CDH23-related conditions. This variant is also known as c.4846-2_4850dup. In summary, the available evidence is currently insufficient to determine the role of this variant in disease. Therefore, it has been classified as a Variant of Uncertain Significance.